The following is an entry in ClinVar:

ClinVar aggregate classification (germline): Conflicting classifications of pathogenicity. Review status: criteria provided, conflicting classifications (1 of 4 stars). 4 submissions from 4 submitters: Uncertain significance (3); Likely benign (1). Last evaluated 2024-09-18.

Conditions:
Inborn genetic diseases. Identifiers: MedGen C0950123, MeSH D030342.
Hereditary sensory neuropathy-deafness-dementia syndrome. Also called: Hereditary Sensory and Autonomic Neuropathy Type 1E (HSAN1E); Hereditary sensory neuropathy type IE; HSN IE; NEUROPATHY, HEREDITARY SENSORY, WITH HEARING LOSS AND DEMENTIA. Identifiers: Orphanet 456318, MedGen C3279885, MONDO:0013584, OMIM 614116.

Allele frequency attached by ClinVar (database versions not stated): gnomAD exomes 0.00001 and 0.00003; ExAC 0.00002; TOPMed 0.00002; gnomAD 0.00005 and 0.00006; 1000 Genomes Project 30x 0.00016; 1000 Genomes Project 0.00020.
gnomAD v4.1: 31 of 1,614,024 alleles (0.0019%); highest among the groups gnomAD compares: Middle Eastern, 0.016%; no homozygotes.

Submissions (4):

Labcorp Genetics (formerly Invitae), Labcorp
Classification: Uncertain significance for Hereditary sensory neuropathy-deafness-dementia syndrome. Last evaluated: 2024-09-18. Review status: criteria provided, single submitter. Criteria: Invitae Variant Classification Sherloc (09022015). Collection method: clinical testing. Allele origin: germline.
Comment: This sequence change replaces arginine, which is basic and polar, with cysteine, which is neutral and slightly polar, at codon 246 of the DNMT1 protein (p.Arg246Cys). This variant is present in population databases (rs201749864, gnomAD 0.01%). This variant has not been reported in the literature in individuals affected with DNMT1-related conditions. ClinVar contains an entry for this variant (Variation ID: 1380193). An algorithm developed to predict the effect of missense changes on protein structure and function outputs the following: PolyPhen-2: "Benign". The cysteine amino acid residue is found in multiple mammalian species, which suggests that this missense change does not adversely affect protein function. In summary, the available evidence is currently insufficient to determine the role of this variant in disease. Therefore, it has been classified as a Variant of Uncertain Significance.

Ambry Genetics
Classification: Uncertain significance for Inborn genetic diseases. Last evaluated: 2020-02-18. Review status: criteria provided, single submitter. Criteria: Ambry Variant Classification Scheme 2023. Collection method: clinical testing. Allele origin: germline.
Comment: The p.R230C variant (also known as c.688C>T), located in coding exon 8 of the DNMT1 gene, results from a C to T substitution at nucleotide position 688. The arginine at codon 230 is replaced by cysteine, an amino acid with highly dissimilar properties. This amino acid position is poorly conserved in available vertebrate species. In addition, this alteration is predicted to be tolerated by in silico analysis. Since supporting evidence is limited at this time, the clinical significance of this alteration remains unclear.

GeneDx
Classification: Likely benign. Last evaluated: 2019-03-19. Review status: criteria provided, single submitter. Criteria: GeneDx Variant Classification Process June 2021. Collection method: clinical testing. Allele origin: germline. Affected: yes.
Comment: See Variant Classification Assertion Criteria.

Breakthrough Genomics
Classification: Uncertain significance. Review status: criteria provided, single submitter. Criteria: ACMG Guidelines, 2015. Collection method: not provided. Allele origin: germline. Inheritance: Autosomal dominant inheritance. Affected: yes.

NM_001130823.3(DNMT1):c.736C>T (p.Arg246Cys)

Gene: DNMT1 (DNA methyltransferase 1; minus strand). Cytogenetic location: 19p13.2.
Variant type: single nucleotide variant.
Coding change: c.736C>T on transcript NM_001130823.3 (MANE Select); coding-DNA position 736, C replaced by T.
Protein change: p.Arg246Cys; replaces arginine 246 with cysteine.
Molecular consequence: missense variant.
Genome position (GRCh38, 1-based): chr19:10,173,122, G>A on the plus strand (C>T on the coding strand, the complement: DNMT1 is on the minus strand). VCF-style: chr19-10173122-G-A. GRCh37 (hg19) VCF-style: chr19-10283798-G-A.
Other names: c.736C>T (NM_001130823.1); c.688C>T, p.Arg230Cys (NM_001318730.2, NM_001379.4); c.373C>T, p.Arg125Cys (NM_001318731.2); short protein forms R125C, R230C, R246C.
Identifiers: ClinVar variation 1380193 (VCV001380193.12), dbSNP rs201749864, ClinGen allele CA9188623.